The following is an entry in ClinVar:

ClinVar aggregate classification (germline): Uncertain significance. Review status: criteria provided, multiple submitters, no conflicts (2 of 4 stars). 2 submissions from 2 submitters: Uncertain significance (2). Last evaluated 2025-10-08.

Conditions:
IGF1R-related disorder. Also called: IGF1R-related condition.

Allele frequency attached by ClinVar (database versions not stated): gnomAD exomes below 0.00001; ExAC 0.00002; gnomAD 0.00002; TOPMed 0.00002; 1000 Genomes Project 0.00020; 1000 Genomes Project 30x 0.00031.
gnomAD v4.1: 8 of 1,614,026 alleles (0.0005%); highest among the groups gnomAD compares: Admixed American, 0.0017%; no homozygotes.

Submissions (2):

Labcorp Genetics (formerly Invitae), Labcorp
Classification: Uncertain significance. Last evaluated: 2025-10-08. Review status: criteria provided, single submitter. Criteria: Invitae Variant Classification Sherloc (09022015). Collection method: clinical testing. Allele origin: germline.
Comment: This sequence change replaces valine, which is neutral and non-polar, with isoleucine, which is neutral and non-polar, at codon 1201 of the IGF1R protein (p.Val1201Ile). This variant is present in population databases (rs556493537, gnomAD 0.007%). This variant has not been reported in the literature in individuals affected with IGF1R-related conditions. ClinVar contains an entry for this variant (Variation ID: 2636680). Invitae Evidence Modeling of protein sequence and biophysical properties (such as structural, functional, and spatial information, amino acid conservation, physicochemical variation, residue mobility, and thermodynamic stability) indicates that this missense variant is expected to disrupt IGF1R protein function with a positive predictive value of 80%. In summary, the available evidence is currently insufficient to determine the role of this variant in disease. Therefore, it has been classified as a Variant of Uncertain Significance.

PreventionGenetics, part of Exact Sciences
Classification: Uncertain significance for IGF1R-related condition. Last evaluated: 2025-08-28. Review status: criteria provided, single submitter. Criteria: ACMG Guidelines, 2015. Collection method: clinical testing. Allele origin: germline.
Comment: The IGF1R c.3601G>A variant is predicted to result in the amino acid substitution p.Val1201Ile. This variant has been previously observed in a cohort of individuals with congenital diaphragmatic hernia (Table 1, Longoni et al. 2014. PubMed ID: 25107291). This variant is reported in 0.0062% of alleles in individuals of African descent in gnomAD. At this time, the clinical significance of this variant is uncertain due to the absence of conclusive functional and genetic evidence.

NM_000875.5(IGF1R):c.3601G>A (p.Val1201Ile)

Gene: IGF1R (insulin like growth factor 1 receptor; plus strand). Cytogenetic location: 15q26.3.
Variant type: single nucleotide variant.
Coding change: c.3601G>A on transcript NM_000875.5 (MANE Select); coding-DNA position 3601, G replaced by A.
Protein change: p.Val1201Ile; replaces valine 1201 with isoleucine.
Molecular consequence: missense variant.
Genome position (GRCh38, 1-based): chr15:98,948,587, G>A. VCF-style: chr15-98948587-G-A. GRCh37 (hg19) VCF-style: chr15-99491816-G-A.
Other names: c.3598G>A, p.Val1200Ile (NM_001291858.2); short protein forms V1200I, V1201I.
Identifiers: ClinVar variation 2636680 (VCV002636680.3), dbSNP rs556493537, ClinGen allele CA7752743.
Genomic context (GRCh38, chr15:98,948,587, plus strand): 5'-TCAGTCCATCCCTTTCCAAGCTCCTCACAGTTTTTTTCTCCCTGTAGGTCCTTCGGGGTC[G>A]TCCTCTGGGAGATCGCCACACTGGCCGAGCAGCCCTACCAGGGCTTGTCCAACGAGCAAG-3'
Protein context (NP_000866.1, residues 1191-1211): TYSDVWSFGV[Val1201Ile]LWEIATLAEQ